The following is an entry in ClinVar:

ClinVar aggregate classification (germline): Pathogenic (1 of 4 stars; one submission).

Conditions:
DICER1-related tumor predisposition. Also called: DICER1 syndrome; DICER1-related pleuropulmonary blastoma cancer predisposition syndrome. Identifiers: Orphanet 284343, MedGen C3839822, MONDO:0100216.

Submission:

Labcorp Genetics (formerly Invitae), Labcorp
Classification: Pathogenic for DICER1-related tumor predisposition. Last evaluated: 2025-08-18. Review status: criteria provided, single submitter. Criteria: Invitae Variant Classification Sherloc (09022015). Collection method: clinical testing. Allele origin: germline.
Comment: This sequence change creates a premature translational stop signal (p.Glu1638Aspfs*5) in the DICER1 gene. It is expected to result in an absent or disrupted protein product. Loss-of-function variants in DICER1 are known to be pathogenic (PMID: 19556464, 21266384). This variant is not present in population databases (gnomAD no frequency). This variant has not been reported in the literature in individuals affected with DICER1-related conditions. For these reasons, this variant has been classified as Pathogenic.

Literature cited by the submitters: PubMed 19556464; PubMed 21266384.

NM_177438.3(DICER1):c.4914del (p.Glu1638fs)

Gene: DICER1 (dicer 1, ribonuclease III; minus strand). Cytogenetic location: 14q32.13.
Variant type: Deletion.
Coding change: c.4914del on transcript NM_177438.3 (MANE Select); coding-DNA position 4914, one base deleted (A; older notation c.4914delA).
Protein change: p.Glu1638fs; shifts the reading frame from glutamic acid 1638.
Molecular consequence: frameshift variant. On other transcripts: non-coding transcript variant (6).
Genome position (GRCh38, 1-based): chr14:95,096,006, T deleted on the plus strand (A on the coding strand, the reverse complement: DICER1 is on the minus strand); the first of 2 consecutive T bases (chr14:95,096,006-95,096,007); deleting either gives the same sequence. VCF-style (leftmost placement, unchanged base first): chr14-95096005-AT-A. GRCh37 (hg19) VCF-style: chr14-95562342-AT-A.
Other names: c.4914del, p.Glu1638fs (NM_001195573.1, NM_001271282.3, NM_001291628.2 and 12 more transcripts); c.4632del, p.Glu1544fs (NM_001395686.1); c.4509del, p.Glu1503fs (NM_001395687.1, NM_001395688.1, NM_001395689.1 and 2 more transcripts); c.4347del, p.Glu1449fs (NM_001395691.1); c.3231del, p.Glu1077fs (NM_001395697.1); short protein forms E1544fs, E1503fs, E1638fs, E1077fs, E1449fs.
Identifiers: ClinVar variation 4725600 (VCV004725600.1).